The following is an entry in ClinVar:

NM_001142416.2(AIMP1):c.411del (p.Lys137fs)

Gene: AIMP1 (aminoacyl tRNA synthetase complex interacting multifunctional protein 1; plus strand). Cytogenetic location: 4q24.
Variant type: Deletion.
Coding change: c.411del on transcript NM_001142416.2 (MANE Select); coding-DNA position 411, one base deleted (A; older notation c.411delA).
Protein change: p.Lys137fs; shifts the reading frame from lysine 137.
Molecular consequence: frameshift variant.
Genome position (GRCh38, 1-based): chr4:106,331,691, A deleted; the last of 6 consecutive A bases (chr4:106,331,686-106,331,691); deleting any one gives the same sequence. VCF-style (leftmost placement, unchanged base first): chr4-106331685-GA-G. GRCh37 (hg19) VCF-style: chr4-107252842-GA-G.
Other names: c.411del, p.Lys137fs (NM_001142415.2, NM_004757.4); short protein forms K137fs.
Identifiers: ClinVar variation 2750527 (VCV002750527.3), dbSNP rs2476199260, ClinGen allele CA645530501.

ClinVar aggregate classification (germline): Pathogenic (1 of 4 stars; one submission).

Submission:

Labcorp Genetics (formerly Invitae), Labcorp
Classification: Pathogenic. Last evaluated: 2023-08-09. Review status: criteria provided, single submitter. Criteria: Invitae Variant Classification Sherloc (09022015). Collection method: clinical testing. Allele origin: germline.
Comment: For these reasons, this variant has been classified as Pathogenic. This variant has not been reported in the literature in individuals affected with AIMP1-related conditions. This sequence change creates a premature translational stop signal (p.Lys137Asnfs*5) in the AIMP1 gene. It is expected to result in an absent or disrupted protein product. Loss-of-function variants in AIMP1 are known to be pathogenic (PMID: 21092922). This variant is not present in population databases (gnomAD no frequency).

Literature cited by the submitters: PubMed 21092922.